The following is an entry in ClinVar:

ClinVar aggregate classification (germline): Uncertain significance (1 of 4 stars; one submission).

gnomAD v4.1: 2 of 301,480 alleles (0.00066%); highest among the groups gnomAD compares: Non-Finnish European, 0.0013%; no homozygotes.

Submission:

Dasa
Classification: Uncertain significance. Last evaluated: 2026-01-15. Review status: criteria provided, single submitter. Criteria: DASA Assertion Criteria. Collection method: clinical testing. Allele origin: germline.
Comment: NM_172107.4(KCNQ2):c.1764-1441C>G is an intronic variant. This variant is rare in population databases. The currently available literature and clinical evidence are not sufficient to establish a definitive association between this variant and the reported condition. Therefore, this variant is classified as a variant of uncertain significance.

NM_172107.4(KCNQ2):c.1764-1441C>G

Genes: KCNQ2 (potassium voltage-gated channel subfamily Q member 2; minus strand), LOC125387319 (Sharpr-MPRA regulatory region 327; plus strand). Cytogenetic location: 20q13.33.
Variant type: single nucleotide variant.
Coding change: c.1764-1441C>G on transcript NM_172107.4 (MANE Select); 1441 bases into the intron before coding-DNA position 1764, C replaced by G.
Molecular consequence: intron variant.
Genome position (GRCh38, 1-based): chr20:63,409,977, G>C on the plus strand (C>G on the coding strand, the complement: KCNQ2 is on the minus strand). VCF-style: chr20-63409977-G-C. GRCh37 (hg19) VCF-style: chr20-62041330-G-C.
Other names: c.1677-1441C>G (NM_001439004.1); c.1680-1441C>G (NM_004518.6); c.1671-1441C>G (NM_172108.5); c.1707-1441C>G (NM_001439003.1); c.1710-1441C>G (NM_172106.3); c.1818-1441C>G (NM_001382235.1).
Identifiers: ClinVar variation 4883684 (VCV004883684.2).